The following is an entry in ClinVar:

ClinVar aggregate classification (germline): Likely benign. Review status: criteria provided, multiple submitters, no conflicts (2 of 4 stars). 4 submissions from 4 submitters: Likely benign (4). Last evaluated 2025-12-19.

Conditions:
Hereditary cancer-predisposing syndrome. Also called: Neoplastic Syndromes, Hereditary; Hereditary neoplastic syndrome; Tumor predisposition; Hereditary Cancer Syndrome. Identifiers: Orphanet 140162, MedGen C0027672, MeSH D009386, MONDO:0015356.
Hereditary diffuse gastric adenocarcinoma (HDGC). Also called: DIFFUSE GASTRIC AND LOBULAR BREAST CANCER SYNDROME. Identifiers: Orphanet 26106, MedGen C1708349, MONDO:0007648, OMIM 137215.

Allele frequency attached by ClinVar (database versions not stated): gnomAD 0.00001; TOPMed 0.00002; ExAC 0.00005.
gnomAD v4.1: 10 of 1,532,306 alleles (0.00065%); highest among the groups gnomAD compares: East Asian, 0.012%; no homozygotes.

Submissions (4):

Labcorp Genetics (formerly Invitae), Labcorp
Classification: Likely benign for Hereditary diffuse gastric adenocarcinoma. Last evaluated: 2025-12-19. Review status: criteria provided, single submitter. Criteria: Invitae Variant Classification Sherloc (09022015). Collection method: clinical testing. Allele origin: germline.

Women's Health and Genetics/Laboratory Corporation of America, LabCorp
Classification: Likely benign. Last evaluated: 2025-04-22. Review status: criteria provided, single submitter. Criteria: LabCorp Variant Classification Summary - May 2015. Collection method: clinical testing. Allele origin: germline.
Comment: Variant summary: CDH1 c.49-8C>A alters a nucleotide located at a position not widely known to affect splicing. Consensus agreement among computation tools predict no significant impact on normal splicing. However, these predictions have yet to be confirmed by functional studies. The variant allele was found at a frequency of 2.6e-05 in 156612 control chromosomes. The available data on variant occurrences in the general population are insufficient to allow any conclusion about variant significance. To our knowledge, no occurrence of c.49-8C>A in individuals affected with Breast Cancer and no experimental evidence demonstrating its impact on protein function have been reported. ClinVar contains an entry for this variant (Variation ID: 386415). Based on the evidence outlined above, the variant was classified as likely benign.

GeneDx
Classification: Likely benign. Last evaluated: 2017-05-15. Review status: criteria provided, single submitter. Criteria: GeneDx Variant Classification (06012015). Collection method: clinical testing. Allele origin: germline. Affected: yes.
Comment: This variant is considered likely benign or benign based on one or more of the following criteria: it is a conservative change, it occurs at a poorly conserved position in the protein, it is predicted to be benign by multiple in silico algorithms, and/or has population frequency not consistent with disease.

Color Diagnostics, LLC DBA Color Health
Classification: Likely benign for Hereditary cancer-predisposing syndrome. Last evaluated: 2016-05-29. Review status: criteria provided, single submitter. Criteria: ACMG Guidelines, 2015. Collection method: clinical testing. Allele origin: germline.

NM_004360.5(CDH1):c.49-8C>A

Gene: CDH1 (cadherin 1; plus strand). Cytogenetic location: 16q22.1.
Variant type: single nucleotide variant.
Coding change: c.49-8C>A on transcript NM_004360.5 (MANE Select); 8 bases into the intron before coding-DNA position 49, C replaced by A.
Molecular consequence: intron variant.
Genome position (GRCh38, 1-based): chr16:68,738,289, C>A. VCF-style: chr16-68738289-C-A. GRCh37 (hg19) VCF-style: chr16-68772192-C-A.
Other names: c.-1567-8C>A (NM_001317185.2); c.-1771-8C>A (NM_001317186.2); c.49-8C>A (NM_001317184.2, LRG_301t1).
Identifiers: ClinVar variation 386415 (VCV000386415.19), dbSNP rs774761552, ClinGen allele CA8129792.